The following is an entry in ClinVar:

NM_000268.4(NF2):c.932G>A (p.Arg311Lys)

Gene: NF2 (NF2, moesin-ezrin-radixin like (MERLIN) tumor suppressor; plus strand). Cytogenetic location: 22q12.2.
Variant type: single nucleotide variant.
Coding change: c.932G>A on transcript NM_000268.4 (MANE Select); coding-DNA position 932, G replaced by A.
Protein change: p.Arg311Lys; replaces arginine 311 with lysine.
Molecular consequence: missense variant. On other transcripts: non-coding transcript variant (1), intron variant (1).
Genome position (GRCh38, 1-based): chr22:29,668,379, G>A. VCF-style: chr22-29668379-G-A. GRCh37 (hg19) VCF-style: chr22-30064368-G-A.
Other names: c.932G>A, p.Arg311Lys (NM_016418.5, NM_181825.3, NM_181832.3); c.806G>A, p.Arg269Lys (NM_181828.3); c.809G>A, p.Arg270Lys (NM_181829.3); c.683G>A, p.Arg228Lys (NM_181830.3, NM_181831.3); c.447+26094G>A (NM_181833.3); short protein forms R311K, R269K, R228K, R270K.
Identifiers: ClinVar variation 457932 (VCV000457932.16), dbSNP rs1169276398, ClinGen allele CA411145785.

ClinVar aggregate classification (germline): Conflicting classifications of pathogenicity. Review status: criteria provided, conflicting classifications (1 of 4 stars). 4 submissions from 4 submitters: Uncertain significance (3); Likely benign (1). Last evaluated 2025-12-16.

Conditions:
Hereditary cancer-predisposing syndrome. Also called: Neoplastic Syndromes, Hereditary; Tumor predisposition; Hereditary neoplastic syndrome; Hereditary Cancer Syndrome. Identifiers: Orphanet 140162, MedGen C0027672, MeSH D009386, MONDO:0015356.
Neurofibromatosis, type 2 (SWNV). Also called: BILATERAL ACOUSTIC NEUROFIBROMATOSIS; SCHWANNOMATOSIS, VESTIBULAR; NF2-Related Schwannomatosis. Identifiers: Orphanet 637, MedGen C0027832, MONDO:0007039, OMIM 101000. Disease mechanism: loss of function.

Allele frequency attached by ClinVar (database versions not stated): gnomAD exomes below 0.00001 and 0.00002; gnomAD 0.00001; TOPMed 0.00001.
gnomAD v4.1: 28 of 1,613,852 alleles (0.0017%); highest among the groups gnomAD compares: Non-Finnish European, 0.0021%; no homozygotes.

Submissions (4):

Labcorp Genetics (formerly Invitae), Labcorp
Classification: Likely benign for Neurofibromatosis, type 2. Last evaluated: 2025-12-16. Review status: criteria provided, single submitter. Criteria: Invitae Variant Classification Sherloc (09022015). Collection method: clinical testing. Allele origin: germline.

Color Diagnostics, LLC DBA Color Health
Classification: Uncertain significance for Neurofibromatosis, type 2. Last evaluated: 2025-07-11. Review status: criteria provided, single submitter. Criteria: ACMG Guidelines, 2015. Collection method: clinical testing. Allele origin: germline.
Comment: This missense variant replaces arginine with lysine at codon 311 of the NF2 protein. Computational prediction is inconclusive regarding the impact of this variant on protein structure and function. To our knowledge, functional studies have not been reported for this variant. This variant has not been reported in individuals affected with NF2-related disorders in the literature. This variant has been identified in 1/251478 chromosomes in the general population by the Genome Aggregation Database (gnomAD). The available evidence is insufficient to determine the role of this variant in disease conclusively. Therefore, this variant is classified as a Variant of Uncertain Significance.

All of Us Research Program, National Institutes of Health
Classification: Uncertain significance for Neurofibromatosis, type 2. Last evaluated: 2024-09-23. Review status: criteria provided, single submitter. Criteria: ACMG Guidelines, 2015. Collection method: clinical testing. Allele origin: germline. Inheritance: Autosomal dominant inheritance. Observed: 2 variant alleles, 2 heterozygotes.
Comment: This missense variant replaces arginine with lysine at codon 311 of the NF2 protein. Computational prediction is inconclusive regarding the impact of this variant on protein structure and function (internally defined REVEL score threshold 0.5 < inconclusive < 0.7, PMID: 27666373). To our knowledge, functional studies have not been reported for this variant. This variant has not been reported in individuals affected with NF2-related disorders in the literature. This variant has been identified in 1/251478 chromosomes in the general population by the Genome Aggregation Database (gnomAD). The available evidence is insufficient to determine the role of this variant in disease conclusively. Therefore, this variant is classified as a Variant of Uncertain Significance.

This study involves interpretation of variants in research participants for the purpose of population health screening. Participant phenotype was not available at the time of variant classification. Additional details can be found in publication PMID: 35346344, PMCID: PMC8962531

Ambry Genetics
Classification: Uncertain significance for Hereditary cancer-predisposing syndrome. Last evaluated: 2024-02-22. Review status: criteria provided, single submitter. Criteria: Ambry Variant Classification Scheme 2023. Collection method: clinical testing. Allele origin: germline.
Comment: The p.R311K variant (also known as c.932G>A), located in coding exon 10 of the NF2 gene, results from a G to A substitution at nucleotide position 932. The arginine at codon 311 is replaced by lysine, an amino acid with highly similar properties. This amino acid position is highly conserved in available vertebrate species. In addition, the in silico prediction for this alteration is inconclusive. Based on the available evidence, the clinical significance of this alteration remains unclear.